The following is an entry in ClinVar:

NM_000350.3(ABCA4):c.6478A>G (p.Lys2160Glu)

Gene: ABCA4 (ATP binding cassette subfamily A member 4; minus strand). Cytogenetic location: 1p22.1.
Variant type: single nucleotide variant.
Coding change: c.6478A>G on transcript NM_000350.3 (MANE Select); coding-DNA position 6478, A replaced by G.
Protein change: p.Lys2160Glu; replaces lysine 2160 with glutamic acid.
Molecular consequence: missense variant.
Genome position (GRCh38, 1-based): chr1:94,000,837, T>C on the plus strand (A>G on the coding strand, the complement: ABCA4 is on the minus strand). VCF-style: chr1-94000837-T-C. GRCh37 (hg19) VCF-style: chr1-94466393-T-C.
Other names: c.6256A>G, p.Lys2086Glu (NM_001425324.1); short protein forms K2160E, K2086E.
Identifiers: ClinVar variation 635991 (VCV000635991.7), dbSNP rs1571241930, ClinGen allele CA341277220.

ClinVar aggregate classification (germline): Pathogenic/Likely pathogenic. Review status: criteria provided, multiple submitters, no conflicts (2 of 4 stars). 4 submissions from 4 submitters: Pathogenic (1); Likely pathogenic (2). 1 of the submissions does not count toward it. Last evaluated 2025-11-26.

Conditions:
ABCA4-related disorder. Also called: ABCA4-related condition; ABCA4-related disorders. Identifiers: MedGen CN239167.
Retinal dystrophy. Also called: Inherited retinal dystrophy. Identifiers: Orphanet 71862, MedGen C0854723, MeSH D058499, MONDO:0019118, HP:0000556.
Stargardt disease (FFM). Also called: Stargardt's disease; Fundus flavimaculatus. Identifiers: Orphanet 827, MedGen C0271093, MONDO:0019353.

Allele frequency attached by ClinVar (database versions not stated): gnomAD exomes 0.00001.
gnomAD v4.1: 3 of 1,614,148 alleles (0.00019%); highest among the groups gnomAD compares: Non-Finnish European, 0.00025%; no homozygotes.

Submissions (4):

PreventionGenetics, part of Exact Sciences
Classification: Likely pathogenic for ABCA4-related condition. Last evaluated: 2025-11-26. Review status: criteria provided, single submitter. Criteria: ACMG Guidelines, 2015. Collection method: clinical testing. Allele origin: germline.
Comment: The ABCA4 c.6478A>G variant is predicted to result in the amino acid substitution p.Lys2160Glu. This variant has been reported along with a second ABCA4 variant in individuals with ABCA4-related retinopathy (Duno et al. 2012. PubMed ID: 22229821; Supplementary Table 1, Fenner et al. 2024. PubMed ID: 38309476; Table S4, Jespersgaard et al. 2019. PubMed ID: 30718709; Table S2, Cornelis et al. 2022. PubMed ID: 35120629). This variant has not been reported in a large population database (gnomAD), indicating this variant is rare. Functional studies revealed that this variant alters splicing (Table 1, Figure S2 and Table S3, Sangermano et al. 2017. PubMed ID: 29162642). This variant is interpreted as likely pathogenic.

Labcorp Genetics (formerly Invitae), Labcorp
Classification: Pathogenic. Last evaluated: 2024-11-19. Review status: criteria provided, single submitter. Criteria: Invitae Variant Classification Sherloc (09022015). Collection method: clinical testing. Allele origin: germline.
Comment: This sequence change replaces lysine, which is basic and polar, with glutamic acid, which is acidic and polar, at codon 2160 of the ABCA4 protein (p.Lys2160Glu). This variant is not present in population databases (gnomAD no frequency). This missense change has been observed in individual(s) with Stargardt disease (PMID: 22229821, 30718709). ClinVar contains an entry for this variant (Variation ID: 635991). An algorithm developed to predict the effect of missense changes on protein structure and function (PolyPhen-2) suggests that this variant is likely to be disruptive. Studies have shown that this missense change is associated with altered splicing (PMID: 29162642). For these reasons, this variant has been classified as Pathogenic.

Institute of Human Genetics, Univ. Regensburg, Univ. Regensburg
Classification: Likely pathogenic for Retinal dystrophy. Last evaluated: 2020-01-01. Review status: criteria provided, single submitter. Criteria: ACMG Guidelines, 2015. Collection method: clinical testing. Allele origin: germline. Affected: yes.

Department of Clinical Genetics, Copenhagen University Hospital, Rigshospitalet
Classification: Likely pathogenic for Stargardt disease. Last evaluated: 2018-04-01. Review status: no assertion criteria provided. Collection method: research. Allele origin: unknown. Affected: yes. Study: VeluxRD. Not counted in ClinVar's aggregate classification.

Literature cited by the submitters: PubMed 22229821 (cited by Labcorp Genetics (formerly Invitae), Labcorp and Institute of Human Genetics, Univ. Regensburg, Univ. Regensburg); PubMed 30718709 (cited by Labcorp Genetics (formerly Invitae), Labcorp and Department of Clinical Genetics, Copenhagen University Hospital, Rigshospitalet); PubMed 29162642 (cited by Labcorp Genetics (formerly Invitae), Labcorp); PubMed 2916264 (cited by Institute of Human Genetics, Univ. Regensburg, Univ. Regensburg).